The following is an entry in ClinVar:

NM_000093.5(COL5A1):c.3236C>T (p.Pro1079Leu)

Gene: COL5A1 (collagen type V alpha 1 chain; plus strand). Cytogenetic location: 9q34.3.
Variant type: single nucleotide variant.
Coding change: c.3236C>T on transcript NM_000093.5 (MANE Select); coding-DNA position 3236, C replaced by T.
Protein change: p.Pro1079Leu; replaces proline 1079 with leucine.
Molecular consequence: missense variant.
Genome position (GRCh38, 1-based): chr9:134,805,192, C>T. VCF-style: chr9-134805192-C-T. GRCh37 (hg19) VCF-style: chr9-137697038-C-T.
Other names: p.P1079L:CCC>CTC; c.3236C>T, p.Pro1079Leu (NM_001278074.1); short protein forms P1079L.
Identifiers: ClinVar variation 212957 (VCV000212957.12), dbSNP rs863223447, ClinGen allele CA323284.
Genomic context (GRCh38, chr9:134,805,192, plus strand): 5'-CCTTGACCAACCTTTTCATGGCTTTGCAGGGAGCTCTTGGACTGAAAGGCAATGAAGGGC[C>T]CCCTGGCCCACCAGGCCCTGCGGTGAGTCAAAGCCTTTGTCCCATCCTCTTTCTTGAATC-3'
Protein context (NP_000084.3, residues 1069-1089): GALGLKGNEG[Pro1079Leu]PGPPGPAGSP

ClinVar aggregate classification (germline): Uncertain significance. Review status: criteria provided, multiple submitters, no conflicts (2 of 4 stars). 2 submissions from 2 submitters: Uncertain significance (2). Last evaluated 2023-11-14.

Conditions:
Ehlers-Danlos syndrome, classic type, 1 (EDSCL1). Also called: Ehlers-Danlos Syndrome, Classic Type, COL5A1-Related; EHLERS-DANLOS SYNDROME, GRAVIS TYPE; EHLERS-DANLOS SYNDROME, SEVERE CLASSIC TYPE; Ehlers-Danlos syndrome, type 1; EDS I. Identifiers: MedGen C0268335, MONDO:0019567, OMIM 130000.

gnomAD v4.1: 11 of 1,613,984 alleles (0.00068%); highest among the groups gnomAD compares: Non-Finnish European, 0.00093%; no homozygotes.

Submissions (2):

GeneDx
Classification: Uncertain significance. Last evaluated: 2023-11-14. Review status: criteria provided, single submitter. Criteria: GeneDx Variant Classification Process June 2021. Collection method: clinical testing. Allele origin: germline. Affected: yes.
Comment: Has not been previously published as pathogenic or benign to our knowledge; Not observed at significant frequency in large population cohorts (gnomAD); In silico analysis supports that this missense variant has a deleterious effect on protein structure/function; Occurs in the triple helical domain at the X position in the canonical Gly-X-Y repeat; although this variant may have an effect on normal protein folding and function, missense substitution at the X position is not a common mechanism of disease (Symoens et al., 2012; HGMD); This variant is associated with the following publications: (PMID: 22696272)

Labcorp Genetics (formerly Invitae), Labcorp
Classification: Uncertain significance for Ehlers-Danlos syndrome, classic type, 1. Last evaluated: 2021-08-27. Review status: criteria provided, single submitter. Criteria: Invitae Variant Classification Sherloc (09022015). Collection method: clinical testing. Allele origin: germline.
Comment: This sequence change replaces proline with leucine at codon 1079 of the COL5A1 protein (p.Pro1079Leu). The proline residue is highly conserved and there is a moderate physicochemical difference between proline and leucine. This variant is not present in population databases (ExAC no frequency). This variant has not been reported in the literature in individuals affected with COL5A1-related conditions. ClinVar contains an entry for this variant (Variation ID: 212957). In summary, the available evidence is currently insufficient to determine the role of this variant in disease. Therefore, it has been classified as a Variant of Uncertain Significance.